The following is an entry in ClinVar:

NM_001004334.4(GPR179):c.2908C>A (p.Pro970Thr)

Gene: GPR179 (G protein-coupled receptor 179; minus strand). Cytogenetic location: 17q12.
Variant type: single nucleotide variant.
Coding change: c.2908C>A on transcript NM_001004334.4 (MANE Select); coding-DNA position 2908, C replaced by A.
Protein change: p.Pro970Thr; replaces proline 970 with threonine.
Molecular consequence: missense variant.
Genome position (GRCh38, 1-based): chr17:38,330,661, G>T on the plus strand (C>A on the coding strand, the complement: GPR179 is on the minus strand). VCF-style: chr17-38330661-G-T. GRCh37 (hg19) VCF-style: chr17-36486544-G-T.
Other names: short protein forms P970T.
Identifiers: ClinVar variation 1506121 (VCV001506121.8), dbSNP rs372139002, ClinGen allele CA290105496.

ClinVar aggregate classification (germline): Uncertain significance. Review status: criteria provided, multiple submitters, no conflicts (2 of 4 stars). 2 submissions from 2 submitters: Uncertain significance (2). Last evaluated 2024-12-16.

Conditions:
Congenital stationary night blindness 1E. Also called: Night blindness, congenital stationary (complete), 1E, autosomal recessive. Identifiers: Orphanet 215, MedGen C3281215, MONDO:0013807, OMIM 614565.

Allele frequency attached by ClinVar (database versions not stated): TOPMed below 0.00001; gnomAD 0.00001.

Submissions (2):

Labcorp Genetics (formerly Invitae), Labcorp
Classification: Uncertain significance. Last evaluated: 2024-12-16. Review status: criteria provided, single submitter. Criteria: Invitae Variant Classification Sherloc (09022015). Collection method: clinical testing. Allele origin: germline.
Comment: This sequence change replaces proline, which is neutral and non-polar, with threonine, which is neutral and polar, at codon 970 of the GPR179 protein (p.Pro970Thr). This variant is present in population databases (rs372139002, gnomAD 0.03%). This variant has not been reported in the literature in individuals affected with GPR179-related conditions. ClinVar contains an entry for this variant (Variation ID: 1506121). An algorithm developed to predict the effect of missense changes on protein structure and function (PolyPhen-2) suggests that this variant is likely to be disruptive. In summary, the available evidence is currently insufficient to determine the role of this variant in disease. Therefore, it has been classified as a Variant of Uncertain Significance.

Fulgent Genetics
Classification: Uncertain significance for Congenital stationary night blindness 1E. Last evaluated: 2024-03-20. Review status: criteria provided, single submitter. Criteria: ACMG Guidelines, 2015. Collection method: clinical testing. Allele origin: germline.